The following is an entry in ClinVar:

ClinVar aggregate classification (germline): Uncertain significance (1 of 4 stars; one submission).

Submission:

CeGaT Center for Human Genetics Tuebingen
Classification: Uncertain significance. Last evaluated: 2023-03-01. Review status: criteria provided, single submitter. Criteria: CeGaT Center For Human Genetics Tuebingen Variant Classification Criteria Version 2. Collection method: clinical testing. Allele origin: germline. Affected: yes. Observed: 1 variant allele.
Comment: POLG: PM2, PM5, PP3

NM_002693.3(POLG):c.3542G>T (p.Ser1181Ile)

Gene: POLG (DNA polymerase gamma, catalytic subunit; minus strand). Cytogenetic location: 15q26.1.
Variant type: single nucleotide variant.
Coding change: c.3542G>T on transcript NM_002693.3 (MANE Select); coding-DNA position 3542, G replaced by T.
Protein change: p.Ser1181Ile; replaces serine 1181 with isoleucine.
Molecular consequence: missense variant.
Genome position (GRCh38, 1-based): chr15:89,317,477, C>A on the plus strand (G>T on the coding strand, the complement: POLG is on the minus strand). VCF-style: chr15-89317477-C-A. GRCh37 (hg19) VCF-style: chr15-89860708-C-A.
Other names: c.3542G>T, p.Ser1181Ile (NM_001126131.2); short protein forms S1181I.
Identifiers: ClinVar variation 2645684 (VCV002645684.24), dbSNP rs149921636, ClinGen allele CA393747723.
Genomic context (GRCh38, chr15:89,317,477, plus strand): 5'-GAAGGGGTTTTACAATCCATGGTCACTTCCTTCCTGAGGCACCGGTCAATATCGACTGCA[C>A]TGAAAAAGGCGACTGACTGGGGCAAGTCATTCAGACCCAGCTTGTAGGCAAACATGCACC-3'
Protein context (NP_002684.1, residues 1171-1191): NDLPQSVAFF[Ser1181Ile]AVDIDRCLRK